The following is an entry in ClinVar:

NM_015215.4(CAMTA1):c.3760dup (p.Gln1254fs)

Genes: CAMTA1 (calmodulin binding transcription activator 1; plus strand), LOC126805603 (CDK7 strongly-dependent group 2 enhancer GRCh37_chr1:7798026-7799225; plus strand). Cytogenetic location: 1p36.23.
Variant type: Duplication.
Coding change: c.3760dup on transcript NM_015215.4 (MANE Select); coding-DNA position 3760, one base duplicated (C; older notation c.3760dupC).
Protein change: p.Gln1254fs; shifts the reading frame from glutamine 1254.
Molecular consequence: frameshift variant. On other transcripts: intron variant (13).
Genome position (GRCh38, 1-based): chr1:7,738,060, C duplicated; the last of 2 consecutive C bases (chr1:7,738,059-7,738,060); duplicating either gives the same sequence. VCF-style (leftmost placement, unchanged base first): chr1-7738058-T-TC. GRCh37 (hg19) VCF-style: chr1-7798118-T-TC.
Other names: c.3670dup, p.Gln1224fs (NM_001349608.2); c.889dup, p.Gln297fs (NM_001349613.1); c.832dup, p.Gln278fs (NM_001349614.1, NM_001349615.2, NM_001349616.2 and 2 more transcripts); c.3659-238dup (NM_001349609.2, NM_001349610.2, NM_001410737.1); c.3587-238dup (NM_001410738.1); c.3569-238dup (NM_001349612.2); c.731-238dup (NM_001349620.1, NM_001349621.1, NM_001349625.2 and 5 more transcripts); short protein forms Q278fs, Q1254fs, Q297fs, Q1224fs.
Identifiers: ClinVar variation 4713934 (VCV004713934.1).

ClinVar aggregate classification (germline): Pathogenic (1 of 4 stars; one submission).

Submission:

Labcorp Genetics (formerly Invitae), Labcorp
Classification: Pathogenic. Last evaluated: 2025-03-05. Review status: criteria provided, single submitter. Criteria: Invitae Variant Classification Sherloc (09022015). Collection method: clinical testing. Allele origin: germline.
Comment: This sequence change creates a premature translational stop signal (p.Gln1254Profs*25) in the CAMTA1 gene. It is expected to result in an absent or disrupted protein product. Loss-of-function variants in CAMTA1 are known to be pathogenic (PMID: 22693284). This variant is not present in population databases (gnomAD no frequency). This variant has not been reported in the literature in individuals affected with CAMTA1-related conditions. For these reasons, this variant has been classified as Pathogenic.

Literature cited by the submitters: PubMed 22693284.